The following is an entry in ClinVar:

ClinVar aggregate classification (germline): Pathogenic (1 of 4 stars; one submission).

Submission:

ISCA site 14
Classification: Pathogenic. Last evaluated: 2011-08-12. Review status: criteria provided, single submitter. Criteria: Kaminsky et al. (Genet Med. 2011). Collection method: clinical testing. Allele origin: maternal. Affected: yes. Observed: 1 variant allele.
Comment: Copy number variation identified through the course of routine clinical cytogenomic testing in postnatal populations. Clinical assertions have been curated as described in Kaminsky et al. 2011.

GRCh38/hg38 1q21.1-21.2(chr1:145215697-149076087)x3

Genes: ACP6 (acid phosphatase 6, lysophosphatidic; minus strand), ANKRD34A (ankyrin repeat domain 34A; minus strand), ANKRD35 (ankyrin repeat domain 35; minus strand), ANKRD35-DT (ANKRD35 divergent transcript; plus strand), BCL9 (BCL9 transcription coactivator; plus strand) and 144 more. Cytogenetic location: 1q21.1-21.2.
Variant type: copy number gain.
Change: copy number 3 (three copies instead of two) of chr1:145,215,697-149,076,087 (3.86 Mb, GRCh38 coordinates, 1-based), cytogenetic band 1q21.1-21.2.
Identifiers: ClinVar variation 160925 (VCV000160925.1).